The following is an entry in ClinVar:

ClinVar aggregate classification (germline): Uncertain significance (1 of 4 stars; one submission).

Allele frequency attached by ClinVar (database versions not stated): gnomAD 0.00001; TOPMed 0.00001; gnomAD exomes 0.00002 and 0.00004; ExAC 0.00003.
gnomAD v4.1: 10 of 1,605,604 alleles (0.00062%); highest among the groups gnomAD compares: Admixed American, 0.017%; no homozygotes.

Submission:

Labcorp Genetics (formerly Invitae), Labcorp
Classification: Uncertain significance. Last evaluated: 2022-06-13. Review status: criteria provided, single submitter. Criteria: Invitae Variant Classification Sherloc (09022015). Collection method: clinical testing. Allele origin: germline.
Comment: This sequence change replaces isoleucine, which is neutral and non-polar, with asparagine, which is neutral and polar, at codon 12 of the GALNT3 protein (p.Ile12Asn). This variant is present in population databases (rs747049941, gnomAD 0.03%). This variant has not been reported in the literature in individuals affected with GALNT3-related conditions. Algorithms developed to predict the effect of missense changes on protein structure and function (SIFT, PolyPhen-2, Align-GVGD) all suggest that this variant is likely to be tolerated. In summary, the available evidence is currently insufficient to determine the role of this variant in disease. Therefore, it has been classified as a Variant of Uncertain Significance.

NM_004482.4(GALNT3):c.35T>A (p.Ile12Asn)

Gene: GALNT3 (polypeptide N-acetylgalactosaminyltransferase 3; minus strand). Cytogenetic location: 2q24.3.
Variant type: single nucleotide variant.
Coding change: c.35T>A on transcript NM_004482.4 (MANE Select); coding-DNA position 35, T replaced by A.
Protein change: p.Ile12Asn; replaces isoleucine 12 with asparagine.
Molecular consequence: missense variant.
Genome position (GRCh38, 1-based): chr2:165,770,666, A>T on the plus strand (T>A on the coding strand, the complement: GALNT3 is on the minus strand). VCF-style: chr2-165770666-A-T. GRCh37 (hg19) VCF-style: chr2-166627176-A-T.
Other names: short protein forms I12N.
Identifiers: ClinVar variation 1417672 (VCV001417672.5), dbSNP rs747049941, ClinGen allele CA1941305.